The following is an entry in ClinVar:

ClinVar aggregate classification (germline): Uncertain significance (0 of 4 stars; one submission).

Conditions:
CDK9-related disorder. Also called: CDK9-related condition.

Submission:

PreventionGenetics, part of Exact Sciences
Classification: Uncertain significance for CDK9-related condition. Last evaluated: 2023-12-27. Review status: no assertion criteria provided. Collection method: clinical testing. Allele origin: germline.
Comment: The CDK9 c.353T>C variant is predicted to result in the amino acid substitution p.Leu118Ser. To our knowledge, this variant has not been reported in the literature or in a large population database, indicating this variant is rare. At this time, the clinical significance of this variant is uncertain due to the absence of conclusive functional and genetic evidence.

NM_001261.4(CDK9):c.353T>C (p.Leu118Ser)

Gene: CDK9 (cyclin dependent kinase 9; plus strand). Cytogenetic location: 9q34.11.
Variant type: single nucleotide variant.
Coding change: c.353T>C on transcript NM_001261.4 (MANE Select); coding-DNA position 353, T replaced by C.
Protein change: p.Leu118Ser; replaces leucine 118 with serine.
Molecular consequence: missense variant.
Genome position (GRCh38, 1-based): chr9:127,788,034, T>C. VCF-style: chr9-127788034-T-C. GRCh37 (hg19) VCF-style: chr9-130550313-T-C.
Other names: short protein forms L118S.
Identifiers: ClinVar variation 3033495 (VCV003033495.2), dbSNP rs2539003041, ClinGen allele CA374997555.
Genomic context (GRCh38, chr9:127,788,034, plus strand): 5'-GTATATACCTGGTGTTCGACTTCTGCGAGCATGACCTTGCTGGGCTGTTGAGCAATGTTT[T>C]GGTCAAGTTCACGCTGTCTGAGATCAAGAGGGTGATGCAGATGCTGCTTAACGGCCTCTA-3'
Protein context (NP_001252.1, residues 108-128): HDLAGLLSNV[Leu118Ser]VKFTLSEIKR